The following is an entry in ClinVar:

NM_006080.3(SEMA3A):c.233T>A (p.Phe78Tyr)

Gene: SEMA3A (semaphorin 3A; minus strand). Cytogenetic location: 7q21.11.
Variant type: single nucleotide variant.
Coding change: c.233T>A on transcript NM_006080.3 (MANE Select); coding-DNA position 233, T replaced by A.
Protein change: p.Phe78Tyr; replaces phenylalanine 78 with tyrosine.
Molecular consequence: missense variant.
Genome position (GRCh38, 1-based): chr7:84,134,831, A>T on the plus strand (T>A on the coding strand, the complement: SEMA3A is on the minus strand). VCF-style: chr7-84134831-A-T. GRCh37 (hg19) VCF-style: chr7-83764147-A-T.
Other names: short protein forms F78Y.
Identifiers: ClinVar variation 4993300 (VCV004993300.1).

ClinVar aggregate classification (germline): Uncertain significance (1 of 4 stars; one submission).

Conditions:
SEMA3A-related disorder. Also called: SEMA3A-related condition.

Submission:

PreventionGenetics, part of Exact Sciences
Classification: Uncertain significance for SEMA3A-related condition. Last evaluated: 2026-09-09. Review status: criteria provided, single submitter. Criteria: ACMG Guidelines, 2015. Collection method: clinical testing. Allele origin: germline.
Comment: The SEMA3A c.233T>A variant is predicted to result in the amino acid substitution p.Phe78Tyr. To our knowledge, this variant has not been reported in the literature or in a large population database (gnomAD), indicating this variant is rare. At this time, the clinical significance of this variant is uncertain due to the absence of conclusive functional and genetic evidence.